The following is an entry in ClinVar:

ClinVar aggregate classification (germline): Pathogenic/Likely pathogenic. Review status: criteria provided, multiple submitters, no conflicts (2 of 4 stars). 4 submissions from 4 submitters: Pathogenic (2); Likely pathogenic (2). Last evaluated 2026-09-08.

Conditions:
Fabry disease. Also called: Angiokeratoma corporis diffusum; Ceramide trihexosidosis; Fabry's disease; ALPHA-GALACTOSIDASE A DEFICIENCY; ANDERSON-FABRY DISEASE; CERAMIDE TRIHEXOSIDASE DEFICIENCY. Identifiers: Orphanet 324, MedGen C0002986, MONDO:0010526, OMIM 301500, HP:0001071. Disease mechanism: loss of function, Fabry disease is due to inactivating mutations in the X-linked GLA gene resulting in deficiency of the enzyme Alpha Galactosidase-A..

Submissions (4):

Genomenon, Inc
Classification: Pathogenic for Fabry disease. Last evaluated: 2026-09-08. Review status: criteria provided, single submitter. Criteria: Genomenon Sequence Variant Interpretation Standards - Updated. Collection method: curation. Allele origin: germline. Affected: yes.
Comment: GLA p.Pro40Leu (c.119C>T) is a missense variant that changes the amino acid at codon 40 from Proline to Leucine. This variant has been observed in at least one proband with clinical features consistent with Fabry disease (PMID:39595144;12920095;12668521;10916280;28069318). At least one functional study has demonstrated a substantial alteration in protein function relative to the wild-type (PMID:27657681). This variant is located in a mutational hotspot and/or important functional domain. It is absent or not present at a significant frequency in gnomAD. In silico models predict that this variant is possibly or probably damaging. In conclusion, we classify GLA p.Pro40Leu (c.119C>T) as a pathogenic variant.

Genome-Nilou Lab
Classification: Likely pathogenic for Fabry disease. Last evaluated: 2021-07-15. Review status: criteria provided, single submitter. Criteria: ACMG Guidelines, 2015. Collection method: clinical testing. Allele origin: germline. Affected: no.

Labcorp Genetics (formerly Invitae), Labcorp
Classification: Pathogenic for Fabry disease. Last evaluated: 2020-03-18. Review status: criteria provided, single submitter. Criteria: Invitae Variant Classification Sherloc (09022015). Collection method: clinical testing. Allele origin: germline.
Comment: This sequence change replaces proline with leucine at codon 40 of the GLA protein (p.Pro40Leu). The proline residue is highly conserved and there is a moderate physicochemical difference between proline and leucine. This variant is not present in population databases (ExAC no frequency). This variant has been observed in individual(s) with Fabry disease (PMID: 12920095, 10916280, 27356758, Invitae). ClinVar contains an entry for this variant (Variation ID: 633248). This variant has been reported to affect GLA protein function (PMID: 27657681). This variant disrupts the p.Pro40 amino acid residue in GLA. Other variant(s) that disrupt this residue have been observed in individuals with GLA-related conditions (PMID: 2152885, 26415523, 20367968, 19320660), which suggests that this may be a clinically significant amino acid residue. For these reasons, this variant has been classified as Pathogenic.

Women's Health and Genetics/Laboratory Corporation of America, LabCorp
Classification: Likely pathogenic for Fabry disease. Last evaluated: 2019-06-19. Review status: criteria provided, single submitter. Criteria: LabCorp Variant Classification Summary - May 2015. Collection method: clinical testing. Allele origin: germline.
Comment: Variant summary: GLA c.119C>T (p.Pro40Leu) results in a non-conservative amino acid change in the encoded protein sequence. Five of five in-silico tools predict a damaging effect of the variant on protein function. The variant was absent in 178720 control chromosomes. c.119C>T has been reported in the literature in individuals affected with Fabry Disease (Lenders_2016, Morrone_2003, Ashton-Prolla_2000). In one report, the patient had <10% WT alpha-galactosidase activity in leucocytes, further supporting the pathogenic outcome of this variant (Morrone_2003). Other variants at the same codon position have been reported as pathogenic or likely pathogenic in ClinVar and HGMD, suggesting this codon is a potential hotspot for mutation (p.Pro40Arg, p.Pro40Ser). No clinical diagnostic laboratories have submitted clinical-significance assessments for this variant to ClinVar after 2014. Based on the evidence outlined above, the variant was classified as likely pathogenic.

Literature cited by the submitters: PubMed 39595144 (cited by Genomenon, Inc); PubMed 12920095 (cited by 3 submitters); PubMed 12668521 (cited by Genomenon, Inc); PubMed 10916280 (cited by 3 submitters); PubMed 28069318 (cited by Genomenon, Inc); PubMed 27657681 (cited by Genomenon, Inc and Labcorp Genetics (formerly Invitae), Labcorp); PubMed 27356758 (cited by Labcorp Genetics (formerly Invitae), Labcorp and Women's Health and Genetics/Laboratory Corporation of America, LabCorp); PubMed 2152885 (cited by Labcorp Genetics (formerly Invitae), Labcorp); PubMed 26415523 (cited by Labcorp Genetics (formerly Invitae), Labcorp); PubMed 20367968 (cited by Labcorp Genetics (formerly Invitae), Labcorp); PubMed 19320660 (cited by Labcorp Genetics (formerly Invitae), Labcorp).

NM_000169.3(GLA):c.119C>T (p.Pro40Leu)

Genes: GLA (galactosidase alpha; minus strand), RPL36A-HNRNPH2 (RPL36A-HNRNPH2 readthrough; plus strand). Cytogenetic location: Xq22.1.
Variant type: single nucleotide variant.
Coding change: c.119C>T on transcript NM_000169.3 (MANE Select); coding-DNA position 119, C replaced by T.
Protein change: p.Pro40Leu; replaces proline 40 with leucine.
Molecular consequence: missense variant. On other transcripts: non-coding transcript variant (3), intron variant (2).
Genome position (GRCh38, 1-based): chrX:101,407,785, G>A on the plus strand (C>T on the coding strand, the complement: GLA is on the minus strand). VCF-style: chrX-101407785-G-A. GRCh37 (hg19) VCF-style: chrX-100662773-G-A.
Other names: c.119C>T, p.Pro40Leu (NM_001406747.1, NM_001406748.1, NM_001406749.1); c.301-4151G>A (NM_001199973.2); c.178-4151G>A (NM_001199974.2); short protein forms P40L.
Identifiers: ClinVar variation 633248 (VCV000633248.15), dbSNP rs398123199, ClinGen allele CA413937240.
Genomic context (GRCh38, chrX:101,407,785, plus strand): 5'-GGCTCTTCCTGGCAGTCAAGGTTGCACATGAAGCGCTCCCAGTGCAGCCAGCCCATGGTA[G>A]GCGTCCTTGCCAATCCATTGTCCAGTGCTCTAGCCCCAGGGATGTCCCAGGAAACGAGGG-3'
Protein context (NP_000160.1, residues 30-50): RALDNGLART[Pro40Leu]TMGWLHWERF